The following is an entry in ClinVar:

NM_152305.3(POGLUT1):c.155A>C (p.Gln52Pro)

Gene: POGLUT1 (protein O-glucosyltransferase 1; plus strand). Cytogenetic location: 3q13.33.
Variant type: single nucleotide variant.
Coding change: c.155A>C on transcript NM_152305.3 (MANE Select); coding-DNA position 155, A replaced by C.
Protein change: p.Gln52Pro; replaces glutamine 52 with proline.
Molecular consequence: missense variant. On other transcripts: non-coding transcript variant (1).
Genome position (GRCh38, 1-based): chr3:119,469,889, A>C. VCF-style: chr3-119469889-A-C. GRCh37 (hg19) VCF-style: chr3-119188736-A-C.
Other names: short protein forms Q52P.
Identifiers: ClinVar variation 3683036 (VCV003683036.2).

ClinVar aggregate classification (germline): Uncertain significance (1 of 4 stars; one submission).

gnomAD v4.1: 2 of 1,601,986 alleles (0.00012%); highest among the groups gnomAD compares: Non-Finnish European, 0.00017%; no homozygotes.

Submission:

Labcorp Genetics (formerly Invitae), Labcorp
Classification: Uncertain significance. Last evaluated: 2024-09-15. Review status: criteria provided, single submitter. Criteria: Invitae Variant Classification Sherloc (09022015). Collection method: clinical testing. Allele origin: germline.
Comment: This sequence change replaces glutamine, which is neutral and polar, with proline, which is neutral and non-polar, at codon 52 of the POGLUT1 protein (p.Gln52Pro). This variant is not present in population databases (gnomAD no frequency). This variant has not been reported in the literature in individuals affected with POGLUT1-related conditions. Invitae Evidence Modeling of protein sequence and biophysical properties (such as structural, functional, and spatial information, amino acid conservation, physicochemical variation, residue mobility, and thermodynamic stability) indicates that this missense variant is not expected to disrupt POGLUT1 protein function with a negative predictive value of 80%. In summary, the available evidence is currently insufficient to determine the role of this variant in disease. Therefore, it has been classified as a Variant of Uncertain Significance.